The following is an entry in ClinVar:

ClinVar aggregate classification (germline): Uncertain significance (1 of 4 stars; one submission).

Submission:

GeneDx
Classification: Uncertain significance. Last evaluated: 2017-02-06. Review status: criteria provided, single submitter. Criteria: GeneDx Variant Classification (06012015). Collection method: clinical testing. Allele origin: germline. Affected: yes.
Comment: The A1585D variant in the PIEZO2 gene has not been reported previously as a pathogenic variant, nor as a benign variant, to our knowledge. The A1585D variant is not observed in large population cohorts (Lek et al., 2016; 1000 Genomes Consortium et al., 2015; Exome Variant Server). The A1585D variant is a non-conservative amino acid substitution, which is likely to impact secondary protein structure as these residues differ in polarity, charge, size and/or other properties. This substitution occurs at a position that is conserved across species. In silico analysis predicts this variant is probably damaging to the protein structure/function. We interpret A1585D as a variant of uncertain significance.

NM_001378183.1(PIEZO2):c.4928C>A (p.Ala1643Asp)

Gene: PIEZO2 (piezo type mechanosensitive ion channel component 2; minus strand). Cytogenetic location: 18p11.22.
Variant type: single nucleotide variant.
Coding change: c.4928C>A on transcript NM_001378183.1 (MANE Select); coding-DNA position 4928, C replaced by A.
Protein change: p.Ala1643Asp; replaces alanine 1643 with aspartic acid.
Molecular consequence: missense variant.
Genome position (GRCh38, 1-based): chr18:10,731,508, G>T on the plus strand (C>A on the coding strand, the complement: PIEZO2 is on the minus strand). VCF-style: chr18-10731508-G-T. GRCh37 (hg19) VCF-style: chr18-10731506-G-T.
Other names: c.4754C>A, p.Ala1585Asp (NM_022068.4); short protein forms A1585D, A1643D.
Identifiers: ClinVar variation 423123 (VCV000423123.2), dbSNP rs1064796247, ClinGen allele CA16620657.